The following is an entry in ClinVar:

NM_006348.5(COG5):c.1072C>G (p.Gln358Glu)

Gene: COG5 (component of oligomeric golgi complex 5; minus strand). Cytogenetic location: 7q22.3.
Variant type: single nucleotide variant.
Coding change: c.1072C>G on transcript NM_006348.5 (MANE Select); coding-DNA position 1072, C replaced by G.
Protein change: p.Gln358Glu; replaces glutamine 358 with glutamic acid.
Molecular consequence: missense variant. On other transcripts: intron variant (1).
Genome position (GRCh38, 1-based): chr7:107,324,476, G>C on the plus strand (C>G on the coding strand, the complement: COG5 is on the minus strand). VCF-style: chr7-107324476-G-C. GRCh37 (hg19) VCF-style: chr7-106964921-G-C.
Other names: c.1165C>G (NM_006348.3); c.1072C>G, p.Gln358Glu (NM_001161520.2, NM_001379511.1, NM_001379512.1 and 3 more transcripts); c.358C>G, p.Gln120Glu (NM_001379516.1); c.539-26130C>G (NM_001379515.1); short protein forms Q120E, Q358E.
Identifiers: ClinVar variation 2063925 (VCV002063925.4), dbSNP rs769748119, ClinGen allele CA4431015.

ClinVar aggregate classification (germline): Uncertain significance. Review status: criteria provided, multiple submitters, no conflicts (2 of 4 stars). 2 submissions from 2 submitters: Uncertain significance (2). Last evaluated 2024-08-27.

Conditions:
COG5-congenital disorder of glycosylation. Also called: CDG IIi; COG5-CDG; CONGENITAL DISORDER OF GLYCOSYLATION, TYPE IIi. Identifiers: Orphanet 263487, MedGen C3150876, MONDO:0013325, OMIM 613612.
Inborn genetic diseases. Identifiers: MedGen C0950123, MeSH D030342.

Allele frequency attached by ClinVar (database versions not stated): ExAC 0.00001; gnomAD 0.00001; TOPMed 0.00001.
gnomAD v4.1: 24 of 1,605,924 alleles (0.0015%); highest among the groups gnomAD compares: Non-Finnish European, 0.002%; no homozygotes.

Submissions (2):

Ambry Genetics
Classification: Uncertain significance for Inborn genetic diseases. Last evaluated: 2024-08-27. Review status: criteria provided, single submitter. Criteria: Ambry Variant Classification Scheme 2023. Collection method: clinical testing. Allele origin: germline.

Labcorp Genetics (formerly Invitae), Labcorp
Classification: Uncertain significance for COG5-congenital disorder of glycosylation. Last evaluated: 2022-10-17. Review status: criteria provided, single submitter. Criteria: Invitae Variant Classification Sherloc (09022015). Collection method: clinical testing. Allele origin: germline.
Comment: This variant is present in population databases (rs769748119, gnomAD 0.002%). This variant has not been reported in the literature in individuals affected with COG5-related conditions. Algorithms developed to predict the effect of missense changes on protein structure and function (SIFT, PolyPhen-2, Align-GVGD) all suggest that this variant is likely to be tolerated. In summary, the available evidence is currently insufficient to determine the role of this variant in disease. Therefore, it has been classified as a Variant of Uncertain Significance. This sequence change replaces glutamine, which is neutral and polar, with glutamic acid, which is acidic and polar, at codon 389 of the COG5 protein (p.Gln389Glu).